The following is an entry in ClinVar:

ClinVar aggregate classification (germline): Uncertain significance. Review status: criteria provided, multiple submitters, no conflicts (2 of 4 stars). 2 submissions from 2 submitters: Uncertain significance (2). Last evaluated 2023-06-26.

Allele frequency attached by ClinVar (database versions not stated): ExAC 0.00001; gnomAD 0.00001; TOPMed 0.00001; gnomAD exomes 0.00002.
gnomAD v4.1: 11 of 1,613,932 alleles (0.00068%); highest among the groups gnomAD compares: Non-Finnish European, 0.00051%; no homozygotes.

Submissions (2):

Greenwood Genetic Center Diagnostic Laboratories, Greenwood Genetic Center
Classification: Uncertain significance. Last evaluated: 2023-06-26. Review status: criteria provided, single submitter. Criteria: ACMG Guidelines, 2015. Collection method: clinical testing. Allele origin: germline. Affected: yes.
Comment: PM2, PP3

GeneDx
Classification: Uncertain significance. Last evaluated: 2023-01-21. Review status: criteria provided, single submitter. Criteria: GeneDx Variant Classification Process June 2021. Collection method: clinical testing. Allele origin: germline. Affected: yes.
Comment: In silico analysis supports that this missense variant has a deleterious effect on protein structure/function; Has not been previously published as pathogenic or benign to our knowledge

NM_001040616.3(LINS1):c.281C>T (p.Thr94Ile)

Gene: LINS1 (lines homolog 1; minus strand). Cytogenetic location: 15q26.3.
Variant type: single nucleotide variant.
Coding change: c.281C>T on transcript NM_001040616.3 (MANE Select); coding-DNA position 281, C replaced by T.
Protein change: p.Thr94Ile; replaces threonine 94 with isoleucine.
Molecular consequence: missense variant. On other transcripts: 5 prime UTR variant (1), non-coding transcript variant (3).
Genome position (GRCh38, 1-based): chr15:100,580,562, G>A on the plus strand (C>T on the coding strand, the complement: LINS1 is on the minus strand). VCF-style: chr15-100580562-G-A. GRCh37 (hg19) VCF-style: chr15-101120767-G-A.
Other names: c.-629C>T (NM_001352507.2); c.281C>T, p.Thr94Ile (NM_001352508.2); c.281C>T (NM_001040616.2); short protein forms T94I.
Identifiers: ClinVar variation 2572295 (VCV002572295.2), dbSNP rs750281247, ClinGen allele CA7759734.